The following is an entry in ClinVar:

NM_005611.4(RBL2):c.247G>A (p.Asp83Asn)

Gene: RBL2 (RB transcriptional corepressor like 2; plus strand). Cytogenetic location: 16q12.2.
Variant type: single nucleotide variant.
Coding change: c.247G>A on transcript NM_005611.4 (MANE Select); coding-DNA position 247, G replaced by A.
Protein change: p.Asp83Asn; replaces aspartic acid 83 with asparagine.
Molecular consequence: missense variant.
Genome position (GRCh38, 1-based): chr16:53,439,022, G>A. VCF-style: chr16-53439022-G-A. GRCh37 (hg19) VCF-style: chr16-53472934-G-A.
Other names: c.247G>A, p.Asp83Asn (NM_001323608.2, NM_001323609.2, NM_001323610.2); c.25G>A, p.Asp9Asn (NM_001323611.1); short protein forms D83N, D9N.
Identifiers: ClinVar variation 2390752 (VCV002390752.3), dbSNP rs372989712, ClinGen allele CA8055975.

ClinVar aggregate classification (germline): Uncertain significance. Review status: criteria provided, multiple submitters, no conflicts (2 of 4 stars). 2 submissions from 2 submitters: Uncertain significance (2). Last evaluated 2026-03-16.

Allele frequency attached by ClinVar (database versions not stated): ExAC 0.00004; ESP Exome Variant Server 0.00008; TOPMed 0.00019.
gnomAD v4.1: 61 of 1,571,044 alleles (0.0039%); highest among the groups gnomAD compares: African/African-American, 0.056%; no homozygotes.

Submissions (2):

GeneDx
Classification: Uncertain significance. Last evaluated: 2026-03-16. Review status: criteria provided, single submitter. Criteria: GeneDx Variant Classification Process June 2021. Collection method: clinical testing. Allele origin: germline.
Comment: In silico analysis suggests that this missense variant does not alter protein structure/function; Has not been previously published as pathogenic or benign to our knowledge

Ambry Genetics
Classification: Uncertain significance. Last evaluated: 2021-09-01. Review status: criteria provided, single submitter. Criteria: Ambry Variant Classification Scheme 2023. Collection method: clinical testing. Allele origin: germline.